The following is an entry in ClinVar:

ClinVar aggregate classification (germline): Uncertain significance (1 of 4 stars; one submission).

Conditions:
Familial thoracic aortic aneurysm and aortic dissection (TAAD). Also called: Thoracic aortic aneurysms and dissections. Identifiers: Orphanet 91387, MedGen C4707243, MONDO:0019625.

gnomAD v4.1: 1 of 1,614,134 alleles (0.000062%); no homozygotes.

Submission:

Ambry Genetics
Classification: Uncertain significance for Familial thoracic aortic aneurysm and aortic dissection. Last evaluated: 2025-03-04. Review status: criteria provided, single submitter. Criteria: Ambry Variant Classification Scheme 2023. Collection method: clinical testing. Allele origin: germline.
Comment: The p.P1231T variant (also known as c.3691C>A), located in coding exon 18 of the MYLK gene, results from a C to A substitution at nucleotide position 3691. The proline at codon 1231 is replaced by threonine, an amino acid with highly similar properties. This amino acid position is conserved. In addition, this alteration is predicted to be tolerated by in silico analysis. Based on the available evidence, the clinical significance of this variant remains unclear.

NM_053025.4(MYLK):c.3691C>A (p.Pro1231Thr)

Gene: MYLK (myosin light chain kinase; minus strand). Cytogenetic location: 3q21.1.
Variant type: single nucleotide variant.
Coding change: c.3691C>A on transcript NM_053025.4 (MANE Select); coding-DNA position 3691, C replaced by A.
Protein change: p.Pro1231Thr; replaces proline 1231 with threonine.
Molecular consequence: missense variant.
Genome position (GRCh38, 1-based): chr3:123,667,149, G>T on the plus strand (C>A on the coding strand, the complement: MYLK is on the minus strand). VCF-style: chr3-123667149-G-T. GRCh37 (hg19) VCF-style: chr3-123385996-G-T.
Other names: c.3163C>A, p.Pro1055Thr (NM_001321309.2); c.3484C>A, p.Pro1162Thr (NM_053026.4, NM_053028.4); c.3691C>A, p.Pro1231Thr (NM_053027.4); short protein forms P1055T, P1162T, P1231T.
Identifiers: ClinVar variation 3876594 (VCV003876594.1).